The following is an entry in ClinVar:

NM_174916.3(UBR1):c.4868A>G (p.His1623Arg)

Gene: UBR1 (ubiquitin protein ligase E3 component n-recognin 1; minus strand). Cytogenetic location: 15q15.2.
Variant type: single nucleotide variant.
Coding change: c.4868A>G on transcript NM_174916.3 (MANE Select); coding-DNA position 4868, A replaced by G.
Protein change: p.His1623Arg; replaces histidine 1623 with arginine.
Molecular consequence: missense variant.
Genome position (GRCh38, 1-based): chr15:42,952,416, T>C on the plus strand (A>G on the coding strand, the complement: UBR1 is on the minus strand). VCF-style: chr15-42952416-T-C. GRCh37 (hg19) VCF-style: chr15-43244614-T-C.
Other names: c.4868A>G (NM_174916.2); short protein forms H1623R.
Identifiers: ClinVar variation 1365411 (VCV001365411.5), dbSNP rs373539628, ClinGen allele CA7517737.
Genomic context (GRCh38, chr15:42,952,416, plus strand): 5'-TCCTGGCAGCAAATGTTCTGAGAACATAGTATAGCCCCACAGAAAAGGCAGAGGACAGGA[T>C]GCTTTCGCTCATCATCTGCAGACCGTGGGCACCTCAAAAGAGAAGAAAACATTTAGAGAA-3'
Protein context (NP_777576.1, residues 1613-1633): CPRSADDERK[His1623Arg]PVLCLFCGAI

ClinVar aggregate classification (germline): Uncertain significance. Review status: criteria provided, multiple submitters, no conflicts (2 of 4 stars). 2 submissions from 2 submitters: Uncertain significance (2). Last evaluated 2026-03-19.

Conditions:
Inborn genetic diseases. Identifiers: MedGen C0950123, MeSH D030342.

Allele frequency attached by ClinVar (database versions not stated): TOPMed 0.00002; gnomAD exomes 0.00003; ExAC 0.00005; ESP Exome Variant Server 0.00008; gnomAD 0.00001 and 0.00003.
gnomAD v4.1: 52 of 1,614,126 alleles (0.0032%); highest among the groups gnomAD compares: Middle Eastern, 0.049%; no homozygotes.

Submissions (2):

Ambry Genetics
Classification: Uncertain significance for Inborn genetic diseases. Last evaluated: 2026-03-19. Review status: criteria provided, single submitter. Criteria: Ambry Variant Classification Scheme 2023. Collection method: clinical testing. Allele origin: germline.
Comment: The c.4868A>G (p.H1623R) alteration is located in exon 45 (coding exon 45) of the UBR1 gene. This alteration results from a A to G substitution at nucleotide position 4868, causing the histidine (H) at amino acid position 1623 to be replaced by an arginine (R). Based on data from gnomAD, the G allele has an overall frequency of 0.003% (7/251376) total alleles studied. The highest observed frequency was 0.01% (3/30614) of South Asian alleles. Based on insufficient or conflicting evidence, the clinical significance of this alteration remains unclear.

Labcorp Genetics (formerly Invitae), Labcorp
Classification: Uncertain significance. Last evaluated: 2021-09-21. Review status: criteria provided, single submitter. Criteria: Invitae Variant Classification Sherloc (09022015). Collection method: clinical testing. Allele origin: germline.
Comment: This sequence change replaces histidine with arginine at codon 1623 of the UBR1 protein (p.His1623Arg). The histidine residue is highly conserved and there is a small physicochemical difference between histidine and arginine. This variant is present in population databases (rs373539628, ExAC 0.01%). This variant has not been reported in the literature in individuals affected with UBR1-related conditions. Algorithms developed to predict the effect of missense changes on protein structure and function are either unavailable or do not agree on the potential impact of this missense change (SIFT: "Deleterious"; PolyPhen-2: "Benign"; Align-GVGD: "Class C25"). In summary, the available evidence is currently insufficient to determine the role of this variant in disease. Therefore, it has been classified as a Variant of Uncertain Significance.